The following is an entry in ClinVar:

ClinVar aggregate classification (germline): Likely benign (1 of 4 stars; one submission).

Submission:

CeGaT Center for Human Genetics Tuebingen
Classification: Likely benign. Last evaluated: 2026-05-01. Review status: criteria provided, single submitter. Criteria: CeGaT Center For Human Genetics Tuebingen Variant Classification Criteria Version 2. Collection method: clinical testing. Allele origin: germline. Affected: yes. Observed: 1 variant allele.
Comment: SLITRK4: PM2:Supporting, BP4, BP7

NM_001184749.3(SLITRK4):c.1932A>T (p.Arg644=)

Gene: SLITRK4 (SLIT and NTRK like family member 4; minus strand). Cytogenetic location: Xq27.3.
Variant type: single nucleotide variant.
Coding change: c.1932A>T on transcript NM_001184749.3 (MANE Select); coding-DNA position 1932, A replaced by T.
Protein change: p.Arg644=; no amino-acid change (arginine 644 retained).
Molecular consequence: synonymous variant.
Genome position (GRCh38, 1-based): chrX:143,629,177, T>A on the plus strand (A>T on the coding strand, the complement: SLITRK4 is on the minus strand). VCF-style: chrX-143629177-T-A. GRCh37 (hg19) VCF-style: chrX-142716993-T-A.
Other names: c.1932A>T, p.Arg644= (NM_001184750.2, NM_173078.5).
Identifiers: ClinVar variation 4873160 (VCV004873160.2).